The following is an entry in ClinVar:

ClinVar aggregate classification (germline): Likely benign. Review status: criteria provided, single submitter (1 of 4 stars). 2 submissions from 2 submitters: Likely benign (1). 1 of the submissions does not count toward it. Last evaluated 2025-04-23.

Conditions:
SLC9A3-related disorder. Also called: SLC9A3-related condition.

Allele frequency attached by ClinVar (database versions not stated): ExAC 0.00001; TOPMed 0.00004; gnomAD 0.00006; 1000 Genomes Project 30x 0.00016; 1000 Genomes Project 0.00020.
gnomAD v4.1: 11 of 1,612,002 alleles (0.00068%); highest among the groups gnomAD compares: African/African-American, 0.011%; no homozygotes.

Submissions (2):

Labcorp Genetics (formerly Invitae), Labcorp
Classification: Likely benign. Last evaluated: 2025-04-23. Review status: criteria provided, single submitter. Criteria: Invitae Variant Classification Sherloc (09022015). Collection method: clinical testing. Allele origin: germline.

PreventionGenetics, part of Exact Sciences
Classification: Likely benign for SLC9A3-related condition. Last evaluated: 2023-05-11. Review status: no assertion criteria provided. Collection method: clinical testing. Allele origin: germline. Not counted in ClinVar's aggregate classification.
Comment: This variant is classified as likely benign based on ACMG/AMP sequence variant interpretation guidelines (Richards et al. 2015 PMID: 25741868, with internal and published modifications).

NM_004174.4(SLC9A3):c.2382T>C (p.Ser794=)

Genes: SLC9A3 (solute carrier family 9 member A3), SLC9A3-AS1 (SLC9A3 antisense RNA 1; plus strand). Cytogenetic location: 5p15.33.
Variant type: single nucleotide variant.
Coding change: c.2382T>C on transcript NM_004174.4 (MANE Select); coding-DNA position 2382, T replaced by C.
Protein change: p.Ser794=; no amino-acid change (serine 794 retained).
Molecular consequence: synonymous variant.
Genome position (GRCh38, 1-based): chr5:475,002, A>G on the plus strand (T>C on the coding strand, the complement: SLC9A3 is on the minus strand). VCF-style: chr5-475002-A-G. GRCh37 (hg19) VCF-style: chr5-475117-A-G.
Other names: c.2355T>C, p.Ser785= (NM_001284351.3).
Identifiers: ClinVar variation 3044618 (VCV003044618.3), dbSNP rs572360348, ClinGen allele CA3175467.
Genomic context (GRCh38, chr5:475,002, plus strand): 5'-GAAGGAGTCCACGGACTTGCTGCTGAGGCGGAAGGGCATCAGGCGGCAGAAGGTGCCGGG[A>G]GAGTAGGGAATCTGCGTGCGGGCCCTCTGCGAGGGGACCACCGTCTCCCCGGGAGACAGC-3'
Protein context (NP_004165.2, residues 784-804): SQRARTQIPY[Ser794=]PGTFCRLMPF